The following is an entry in ClinVar:

ClinVar aggregate classification (germline): Likely pathogenic (1 of 4 stars; one submission).

Conditions:
Gillessen-Kaesbach-Nishimura syndrome (GIKANIS). Identifiers: MedGen C1849762, MONDO:0009890, OMIM 263210.

Submission:

MVZ Praenatalmedizin und Genetik Nuernberg
Classification: Likely pathogenic for Gillessen-Kaesbach-Nishimura syndrome. Last evaluated: 2022-01-07. Review status: criteria provided, single submitter. Criteria: ACMG Guidelines, 2015. Collection method: clinical testing. Allele origin: paternal. Affected: yes.
Comment: Computer-based predictions (in silico) conducted for this purpose indicate a tendency toward pathogenicity. The variant lies in proximity to a variant which was classified in the literature as pathogenic (PMID:31395617: c.1109G>A). The clinical presentation of the fetus closely resembles that of Gillessen-Kaesbach-Nishimura syndrome, a condition caused by homozygous or compound heterozygous ALG9 mutations and belonging to the group of CDG syndromes. Taken together, we consider these findings sufficient to classify the mutation constellation as causative for the clinical abnormalities observed in the fetus. This variant was therefore classified as likely pathogenic.

Literature cited by the submitters: PubMed 31395617.

NM_024740.2(ALG9):c.1097A>G (p.His366Arg)

Gene: ALG9 (ALG9 alpha-1,2-mannosyltransferase; minus strand). Cytogenetic location: 11q23.1.
Variant type: single nucleotide variant.
Coding change: c.1097A>G on transcript NM_024740.2 (MANE Select); coding-DNA position 1097, A replaced by G.
Protein change: p.His366Arg; replaces histidine 366 with arginine.
Molecular consequence: missense variant. On other transcripts: non-coding transcript variant (1).
Genome position (GRCh38, 1-based): chr11:111,840,731, T>C on the plus strand (A>G on the coding strand, the complement: ALG9 is on the minus strand). VCF-style: chr11-111840731-T-C. GRCh37 (hg19) VCF-style: chr11-111711454-T-C.
Other names: c.1097A>G, p.His366Arg (NM_001077690.1, NM_001352417.1, NM_001441203.1 and 2 more transcripts); c.584A>G, p.His195Arg (NM_001077691.2, NM_001077692.2, NM_001352409.1 and 10 more transcripts); c.974A>G, p.His325Arg (NM_001352418.1, NM_001441206.1); c.509A>G, p.His170Arg (NM_001352422.2); c.461A>G, p.His154Arg (NM_001352423.2); short protein forms H154R, H170R, H195R, H325R, H366R.
Identifiers: ClinVar variation 4813467 (VCV004813467.1).